The following is an entry in ClinVar:

ClinVar aggregate classification (germline): Uncertain significance (1 of 4 stars; one submission).

Submission:

GeneDx
Classification: Uncertain significance. Last evaluated: 2025-06-20. Review status: criteria provided, single submitter. Criteria: GeneDx Variant Classification Process June 2021. Collection method: clinical testing. Allele origin: germline. Affected: yes.
Comment: Not observed at significant frequency in large population cohorts (gnomAD); In silico analysis supports a deleterious effect on splicing; Has not been previously published as pathogenic or benign to our knowledge

NM_001042492.3(NF1):c.205-3T>G

Gene: NF1 (neurofibromin 1; plus strand). Cytogenetic location: 17q11.2.
Variant type: single nucleotide variant.
Coding change: c.205-3T>G on transcript NM_001042492.3 (MANE Select); 3 bases into the intron before coding-DNA position 205, T replaced by G.
Molecular consequence: intron variant.
Genome position (GRCh38, 1-based): chr17:31,159,007, T>G. VCF-style: chr17-31159007-T-G. GRCh37 (hg19) VCF-style: chr17-29486025-T-G.
Other names: c.205-3T>G (NM_000267.4, NM_001128147.3).
Identifiers: ClinVar variation 4538605 (VCV004538605.1).